The following is an entry in ClinVar:

NM_005245.4(FAT1):c.10073T>C (p.Met3358Thr)

Gene: FAT1 (FAT atypical cadherin 1; minus strand). Cytogenetic location: 4q35.2.
Variant type: single nucleotide variant.
Coding change: c.10073T>C on transcript NM_005245.4 (MANE Select); coding-DNA position 10073, T replaced by C.
Protein change: p.Met3358Thr; replaces methionine 3358 with threonine.
Molecular consequence: missense variant.
Genome position (GRCh38, 1-based): chr4:186,609,316, A>G on the plus strand (T>C on the coding strand, the complement: FAT1 is on the minus strand). VCF-style: chr4-186609316-A-G. GRCh37 (hg19) VCF-style: chr4-187530470-A-G.
Other names: short protein forms M3358T.
Identifiers: ClinVar variation 1049718 (VCV001049718.1), dbSNP rs2126457161, ClinGen allele CA358954089.

ClinVar aggregate classification (germline): Uncertain significance (0 of 4 stars; one submission).

Allele frequency attached by ClinVar (database versions not stated): gnomAD 0.00001.
gnomAD v4.1: 1 of 1,614,016 alleles (0.000062%); highest among the groups gnomAD compares: Admixed American, 0.0017%; no homozygotes.

Submission:

Department of Pathology and Laboratory Medicine, Sinai Health System
Classification: Uncertain significance. Review status: no assertion criteria provided. Collection method: clinical testing. Allele origin: unknown. Affected: yes. Study: The Canadian Open Genetics Repository (COGR).
Comment: The FAT1 p.Met3358Thr variant was not identified in the literature nor was it identified in dbSNP, ClinVar or LOVD 3.0. The variant was not identified in the following control databases: the 1000 Genomes Project, the NHLBI GO Exome Sequencing Project, the Exome Aggregation Consortium (August 8th 2016), or the Genome Aggregation Database (March 6, 2019, v2.1.1). The p.Met3358 residue is not conserved in mammals and computational analyses (PolyPhen-2, SIFT, AlignGVGD, BLOSUM, MutationTaster) provide inconsistent predictions regarding the impact to the protein; this information is not very predictive of pathogenicity. The variant occurs outside of the splicing consensus sequence and in silico or computational prediction software programs (SpliceSiteFinder, MaxEntScan, NNSPLICE, GeneSplicer) do not predict a difference in splicing. In summary, based on the above information the clinical significance of this variant cannot be determined with certainty at this time. This variant is classified as a variant of uncertain significance.